The following is an entry in ClinVar:

ClinVar aggregate classification (germline): Uncertain significance (1 of 4 stars; one submission).

Conditions:
Gorlin syndrome. Also called: Nevoid Basal Cell Carcinoma Syndrome; Basal cell nevus syndrome. Identifiers: Orphanet 377, MedGen C0004779, MONDO:0007187.

Submission:

Labcorp Genetics (formerly Invitae), Labcorp
Classification: Uncertain significance for Gorlin syndrome. Last evaluated: 2022-10-17. Review status: criteria provided, single submitter. Criteria: Invitae Variant Classification Sherloc (09022015). Collection method: clinical testing. Allele origin: germline.
Comment: In summary, the available evidence is currently insufficient to determine the role of this variant in disease. Therefore, it has been classified as a Variant of Uncertain Significance. ClinVar contains an entry for this variant (Variation ID: 1469357). This variant has not been reported in the literature in individuals affected with PTCH2-related conditions. This variant is not present in population databases (gnomAD no frequency). This sequence change creates a premature translational stop signal (p.Leu473Cysfs*61) in the PTCH2 gene. It is expected to result in an absent or disrupted protein product. However, the current clinical and genetic evidence is not sufficient to establish whether loss-of-function variants in PTCH2 cause disease.

NM_003738.5(PTCH2):c.1417del (p.Leu473fs)

Gene: PTCH2 (patched 2; minus strand). Cytogenetic location: 1p34.1.
Variant type: Deletion.
Coding change: c.1417del on transcript NM_003738.5 (MANE Select); coding-DNA position 1417, one base deleted (C; older notation c.1417delC).
Protein change: p.Leu473fs; shifts the reading frame from leucine 473.
Molecular consequence: frameshift variant.
Genome position (GRCh38, 1-based): chr1:44,829,029, G deleted on the plus strand (C on the coding strand, the reverse complement: PTCH2 is on the minus strand); the first of 2 consecutive G bases (chr1:44,829,029-44,829,030); deleting either gives the same sequence. VCF-style (leftmost placement, unchanged base first): chr1-44829028-AG-A. GRCh37 (hg19) VCF-style: chr1-45294700-AG-A.
Other names: c.1417del, p.Leu473fs (NM_001166292.2); short protein forms L473fs.
Identifiers: ClinVar variation 1469357 (VCV001469357.6), dbSNP rs1653297701, ClinGen allele CA2473511261.